The following is an entry in ClinVar:

NM_015046.7(SETX):c.5071C>A (p.Leu1691Ile)

Gene: SETX (senataxin; minus strand). Cytogenetic location: 9q34.13.
Variant type: single nucleotide variant.
Coding change: c.5071C>A on transcript NM_015046.7 (MANE Select); coding-DNA position 5071, C replaced by A.
Protein change: p.Leu1691Ile; replaces leucine 1691 with isoleucine.
Molecular consequence: missense variant.
Genome position (GRCh38, 1-based): chr9:132,326,527, G>T on the plus strand (C>A on the coding strand, the complement: SETX is on the minus strand). VCF-style: chr9-132326527-G-T. GRCh37 (hg19) VCF-style: chr9-135201914-G-T.
Other names: c.5071C>A, p.Leu1691Ile (NM_001351527.2, NM_001351528.2); short protein forms L1691I.
Identifiers: ClinVar variation 860711 (VCV000860711.41), dbSNP rs756770572, ClinGen allele CA5297076.

ClinVar aggregate classification (germline): Conflicting classifications of pathogenicity. Review status: criteria provided, conflicting classifications (1 of 4 stars). 4 submissions from 4 submitters: Uncertain significance (3); Likely benign (1). Last evaluated 2025-12-24.

Conditions:
Spinocerebellar ataxia, autosomal recessive, with axonal neuropathy 2 (SCAN2). Also called: Ataxia-ocular apraxia-2; ATAXIA-OCULOMOTOR APRAXIA 2; Ataxia with Oculomotor Apraxia; Ataxia with Oculomotor Apraxia Type 2. Identifiers: Orphanet 64753, MedGen C1853761, MONDO:0018996, OMIM 606002.
Amyotrophic lateral sclerosis type 4 (ALS4). Also called: AMYOTROPHIC LATERAL SCLEROSIS 4, JUVENILE; NEURONOPATHY, DISTAL HEREDITARY MOTOR, WITH PYRAMIDAL FEATURES. Identifiers: Orphanet 357043, MedGen C1865409, MONDO:0011223, OMIM 602433.
SETX-related disorder. Also called: SETX-related condition; SETX-related disorders. Identifiers: MedGen CN239403.

Allele frequency attached by ClinVar (database versions not stated): ExAC 0.00001; TOPMed 0.00001; gnomAD 0.00003.
gnomAD v4.1: 31 of 1,614,038 alleles (0.0019%); highest among the groups gnomAD compares: Non-Finnish European, 0.0025%; no homozygotes.

Submissions (4):

Labcorp Genetics (formerly Invitae), Labcorp
Classification: Likely benign for Amyotrophic lateral sclerosis type 4; Spinocerebellar ataxia, autosomal recessive, with axonal neuropathy 2. Last evaluated: 2025-12-24. Review status: criteria provided, single submitter. Criteria: Invitae Variant Classification Sherloc (09022015). Collection method: clinical testing. Allele origin: germline.

PreventionGenetics, part of Exact Sciences
Classification: Uncertain significance for SETX-related condition. Last evaluated: 2025-04-14. Review status: criteria provided, single submitter. Criteria: ACMG Guidelines, 2015. Collection method: clinical testing. Allele origin: germline.
Comment: The SETX c.5071C>A variant is predicted to result in the amino acid substitution p.Leu1691Ile. To our knowledge, this variant has not been reported in the literature. This variant is reported in 0.0031% of alleles in individuals of European (non-Finnish) descent in gnomAD. At this time, the clinical significance of this variant is uncertain due to the absence of conclusive functional and genetic evidence.

CeGaT Center for Human Genetics Tuebingen
Classification: Uncertain significance. Last evaluated: 2022-07-01. Review status: criteria provided, single submitter. Criteria: CeGaT Center For Human Genetics Tuebingen Variant Classification Criteria Version 2. Collection method: clinical testing. Allele origin: germline. Affected: yes. Observed: 1 variant allele.

Athena Diagnostics
Classification: Uncertain significance. Last evaluated: 2020-03-03. Review status: criteria provided, single submitter. Criteria: Athena Diagnostics Criteria. Collection method: clinical testing. Allele origin: unknown.